The following is an entry in ClinVar:

NM_000271.5(NPC1):c.3653C>G (p.Ser1218Cys)

Gene: NPC1 (NPC intracellular cholesterol transporter 1; minus strand). Cytogenetic location: 18q11.2.
Variant type: single nucleotide variant.
Coding change: c.3653C>G on transcript NM_000271.5 (MANE Select); coding-DNA position 3653, C replaced by G.
Protein change: p.Ser1218Cys; replaces serine 1218 with cysteine.
Molecular consequence: missense variant.
Genome position (GRCh38, 1-based): chr18:23,533,456, G>C on the plus strand (C>G on the coding strand, the complement: NPC1 is on the minus strand). VCF-style: chr18-23533456-G-C. GRCh37 (hg19) VCF-style: chr18-21113420-G-C.
Other names: short protein forms S1218C.
Identifiers: ClinVar variation 2648620 (VCV002648620.24), dbSNP rs2511176868, ClinGen allele CA401790718.
Genomic context (GRCh38, chr18:23,533,456, plus strand): 5'-GTGGCTCCCAGTAAGACCATGGCCAAATACATCCTGAAGTAGAATATCTGGAAAATTTGA[G>C]ATTTGGCAAAAGCCAACACCACAATCCCTCCAAATTTTGTAAGTGTGATTCCACTGAACA-3'
Protein context (NP_000262.2, residues 1208-1228): GGIVVLAFAK[Ser1218Cys]QIFQIFYFRM

ClinVar aggregate classification (germline): Uncertain significance (1 of 4 stars; one submission).

Allele frequency attached by ClinVar (database versions not stated): gnomAD exomes below 0.00001.
gnomAD v4.1: 2 of 1,614,216 alleles (0.00012%); highest among the groups gnomAD compares: Non-Finnish European, 0.00017%; no homozygotes.

Submission:

CeGaT Center for Human Genetics Tuebingen
Classification: Uncertain significance. Last evaluated: 2022-07-01. Review status: criteria provided, single submitter. Criteria: CeGaT Center For Human Genetics Tuebingen Variant Classification Criteria Version 2. Collection method: clinical testing. Allele origin: germline. Affected: yes. Observed: 1 variant allele.
Comment: NPC1: PM2, PP3